The following is an entry in ClinVar:

ClinVar aggregate classification (germline): Conflicting classifications of pathogenicity. Review status: criteria provided, conflicting classifications (1 of 4 stars). 5 submissions from 5 submitters: Uncertain significance (1); Likely benign (3). 1 of the submissions does not count toward it. Last evaluated 2024-10-21.

Conditions:
DOCK8-related disorder. Also called: DOCK8-related condition.
Combined immunodeficiency due to DOCK8 deficiency (HIES2). Also called: HIES autosomal recessive; HYPER-IgE RECURRENT INFECTION SYNDROME 2, AUTOSOMAL RECESSIVE; DOCK8 Deficiency; Hyper-IgE recurrent infection syndrome, autosomal recessive; HYPER-IgE SYNDROME 2, AUTOSOMAL RECESSIVE, WITH RECURRENT INFECTIONS. Identifiers: Orphanet 217390, MedGen C4722305, MONDO:0009478, OMIM 243700.

Allele frequency attached by ClinVar (database versions not stated): TOPMed below 0.00001; gnomAD exomes 0.00001.
gnomAD v4.1: 5 of 1,614,014 alleles (0.00031%); highest among the groups gnomAD compares: Middle Eastern, 0.083%; 1 homozygote.

Submissions (5):

Labcorp Genetics (formerly Invitae), Labcorp
Classification: Likely benign for Combined immunodeficiency due to DOCK8 deficiency. Last evaluated: 2024-10-21. Review status: criteria provided, single submitter. Criteria: Invitae Variant Classification Sherloc (09022015). Collection method: clinical testing. Allele origin: germline.

Center for Genomics, Ann and Robert H. Lurie Children's Hospital of Chicago
Classification: Uncertain significance for Combined immunodeficiency due to DOCK8 deficiency. Last evaluated: 2021-07-19. Review status: criteria provided, single submitter. Criteria: ACMG Guidelines, 2015. Collection method: clinical testing. Allele origin: germline.
Comment: DOCK8 NM_203447.3 exon 42 p.His1827= (c.5481T>C):This variant has not been reported in the literature and is not present in large control databases. This variant is present in ClinVar (Variation ID:517309). Evolutionary conservation and computational predictive tools for this variant are limited or unavailable. Of note, this variant is a silent variant and does not change the amino acid, reducing the probability that this variant is disease causing. In summary, data on this variant is insufficient for disease classification. Therefore, the clinical significance of this variant is uncertain.

Blueprint Genetics
Classification: Likely benign. Last evaluated: 2019-09-30. Review status: criteria provided, single submitter. Criteria: ACMG Guidelines, 2015. Collection method: clinical testing. Allele origin: germline.

Laboratory for Molecular Medicine, Mass General Brigham Personalized Medicine
Classification: Likely benign. Last evaluated: 2017-04-03. Review status: criteria provided, single submitter. Criteria: LMM Criteria. Collection method: clinical testing. Allele origin: germline. Observed: 1 variant allele.
Comment: p.His1827His in exon 42 of DOCK8: This variant is not expected to have clinical significance because it does not alter an amino acid residue and is not located within the splice consensus sequence.

PreventionGenetics, part of Exact Sciences
Classification: Likely benign for DOCK8-related condition. Last evaluated: 2023-07-12. Review status: no assertion criteria provided. Collection method: clinical testing. Allele origin: germline. Not counted in ClinVar's aggregate classification.
Comment: This variant is classified as likely benign based on ACMG/AMP sequence variant interpretation guidelines (Richards et al. 2015 PMID: 25741868, with internal and published modifications).

NM_203447.4(DOCK8):c.5481T>C (p.His1827=)

Gene: DOCK8 (dedicator of cytokinesis 8; plus strand). Cytogenetic location: 9p24.3.
Variant type: single nucleotide variant.
Coding change: c.5481T>C on transcript NM_203447.4 (MANE Select); coding-DNA position 5481, T replaced by C.
Protein change: p.His1827=; no amino-acid change (histidine 1827 retained).
Molecular consequence: synonymous variant.
Genome position (GRCh38, 1-based): chr9:442,000, T>C. VCF-style: chr9-442000-T-C. GRCh37 (hg19) VCF-style: chr9-442000-T-C.
Other names: c.5181T>C, p.His1727= (NM_001190458.2); c.5277T>C, p.His1759= (NM_001193536.2).
Identifiers: ClinVar variation 517309 (VCV000517309.17), dbSNP rs1554708887, ClinGen allele CA463700050.